The following is an entry in ClinVar:

NM_015047.3(EMC1):c.2039G>A (p.Arg680Gln)

Genes: EMC1 (ER membrane protein complex subunit 1; minus strand), EMC1-AS1 (EMC1 antisense RNA 1; plus strand). Cytogenetic location: 1p36.13.
Variant type: single nucleotide variant.
Coding change: c.2039G>A on transcript NM_015047.3 (MANE Select); coding-DNA position 2039, G replaced by A.
Protein change: p.Arg680Gln; replaces arginine 680 with glutamine.
Molecular consequence: missense variant.
Genome position (GRCh38, 1-based): chr1:19,230,869, C>T on the plus strand (G>A on the coding strand, the complement: EMC1 is on the minus strand). VCF-style: chr1-19230869-C-T. GRCh37 (hg19) VCF-style: chr1-19557363-C-T.
Other names: c.2036G>A, p.Arg679Gln (NM_001271427.2, NM_001271428.2); c.1973G>A, p.Arg658Gln (NM_001271429.2); c.2048G>A, p.Arg683Gln (NM_001375820.1); c.2045G>A, p.Arg682Gln (NM_001375821.1); c.2039G>A (NM_015047.1); short protein forms R682Q, R658Q, R679Q, R680Q, R683Q.
Identifiers: ClinVar variation 1924209 (VCV001924209.6), dbSNP rs748843419, ClinGen allele CA18814796.

ClinVar aggregate classification (germline): Uncertain significance. Review status: criteria provided, multiple submitters, no conflicts (2 of 4 stars). 2 submissions from 2 submitters: Uncertain significance (2). Last evaluated 2025-07-27.

Conditions:
Inborn genetic diseases. Identifiers: MedGen C0950123, MeSH D030342.

Allele frequency attached by ClinVar (database versions not stated): gnomAD exomes below 0.00001; TOPMed 0.00005; gnomAD 0.00008.
gnomAD v4.1: 17 of 1,614,078 alleles (0.0011%); highest among the groups gnomAD compares: Admixed American, 0.018%; no homozygotes.

Submissions (2):

Labcorp Genetics (formerly Invitae), Labcorp
Classification: Uncertain significance. Last evaluated: 2025-07-27. Review status: criteria provided, single submitter. Criteria: Invitae Variant Classification Sherloc (09022015). Collection method: clinical testing. Allele origin: germline.
Comment: This sequence change replaces arginine, which is basic and polar, with glutamine, which is neutral and polar, at codon 680 of the EMC1 protein (p.Arg680Gln). This variant is present in population databases (rs748843419, gnomAD 0.003%). This variant has not been reported in the literature in individuals affected with EMC1-related conditions. ClinVar contains an entry for this variant (Variation ID: 1924209). Invitae Evidence Modeling of protein sequence and biophysical properties (such as structural, functional, and spatial information, amino acid conservation, physicochemical variation, residue mobility, and thermodynamic stability) indicates that this missense variant is not expected to disrupt EMC1 protein function with a negative predictive value of 80%. In summary, the available evidence is currently insufficient to determine the role of this variant in disease. Therefore, it has been classified as a Variant of Uncertain Significance.

Ambry Genetics
Classification: Uncertain significance for Inborn genetic diseases. Last evaluated: 2024-10-29. Review status: criteria provided, single submitter. Criteria: Ambry Variant Classification Scheme 2023. Collection method: clinical testing. Allele origin: germline.